The following is an entry in ClinVar:

NM_001672.3(ASIP):c.397T>C (p.Ter133Arg)

Genes: AHCY (adenosylhomocysteinase; minus strand), ASIP (agouti signaling protein; plus strand). Cytogenetic location: 20q11.22.
Variant type: single nucleotide variant.
Coding change: c.397T>C on transcript NM_001672.3 (MANE Select); coding-DNA position 397, T replaced by C.
Protein change: p.Ter133Arg.
Molecular consequence: stop lost.
Genome position (GRCh38, 1-based): chr20:34,269,165, T>C. VCF-style: chr20-34269165-T-C. GRCh37 (hg19) VCF-style: chr20-32856971-T-C.
Other names: c.397T>C, p.Ter133Arg (NM_001385218.1).
Identifiers: ClinVar variation 4998080 (VCV004998080.1).

ClinVar aggregate classification (germline): Uncertain significance (1 of 4 stars; one submission).

Conditions:
ASIP-related condition.

gnomAD v4.1: 1 of 1,525,260 alleles (0.000066%); no homozygotes.

Submission:

PreventionGenetics, part of Exact Sciences
Classification: Uncertain significance for ASIP-related condition. Last evaluated: 2026-07-24. Review status: criteria provided, single submitter. Criteria: ACMG Guidelines, 2015. Collection method: clinical testing. Allele origin: germline.
Comment: The ASIP c.397T>C variant is predicted to result in extension of the open reading frame (p.*133Argext*22). To our knowledge, this variant has not been reported in the literature or in a large population database (gnomAD), indicating this variant is rare. At this time, the clinical significance of this variant is uncertain due to the absence of conclusive functional and genetic evidence.